The following is an entry in ClinVar:

ClinVar aggregate classification (germline): Conflicting classifications of pathogenicity. Review status: criteria provided, conflicting classifications (1 of 4 stars). 4 submissions from 4 submitters: Uncertain significance (2); Likely benign (2). Last evaluated 2026-01-06.

Conditions:
Breast-ovarian cancer, familial, susceptibility to, 1 (BROVCA1). Also called: BRCA1 Hereditary Breast and Ovarian Cancer; OVARIAN CANCER, SUSCEPTIBILITY TO. Identifiers: Orphanet 145, MedGen C2676676, MONDO:0011450, OMIM 604370. Disease mechanism: loss of function.
Hereditary breast ovarian cancer syndrome. Also called: Hereditary breast and/or ovarian cancer syndrome; BRCA1- and BRCA2-Associated Hereditary Breast and Ovarian Cancer; Hereditary breast and ovarian cancer syndrome; Hereditary breast and ovarian cancer; Hereditary breast and ovarian cancer syndrome (HBOC); Breast and ovarian cancer. Identifiers: Orphanet 145, MedGen C0677776, MeSH D061325, MONDO:0003582. Disease mechanism: loss of function.
Hereditary cancer-predisposing syndrome. Also called: Tumor predisposition; Hereditary Cancer Syndrome; Hereditary neoplastic syndrome; Neoplastic Syndromes, Hereditary. Identifiers: Orphanet 140162, MedGen C0027672, MeSH D009386, MONDO:0015356.

Allele frequency attached by ClinVar (database versions not stated): gnomAD 0.00001.
gnomAD v4.1: 1 of 1,596,672 alleles (0.000063%); highest among the groups gnomAD compares: East Asian, 0.0022%; no homozygotes.

Submissions (5):

Ambry Genetics
Classification: Likely benign for Hereditary cancer-predisposing syndrome. Last evaluated: 2026-01-06. Review status: criteria provided, single submitter. Criteria: Ambry Variant Classification Scheme 2023. Collection method: clinical testing. Allele origin: germline.

Lupski Lab, Baylor-Hopkins CMG, Baylor College of Medicine
Classification: Likely benign for Breast-ovarian cancer, familial, susceptibility to, 1. Last evaluated: 2024-04-12. Review status: criteria provided, single submitter. Criteria: Dawood et al. (medRxiv. 2024). Collection method: curation. Allele origin: germline.
Comment: Each variant was annotated with functional scores from MAVE data which was translated into functional evidence codes. All other evidence codes and combining criteria were adhered to as closely as possible based on the ClinGen VCEP (Variant Curation Expert Panel) gene-specific recommendations. See Supplemental Figure 34 of final paper (Supp Fig. 28 in preprint: doi:10.1101/2024.04.11.24305690) for a table to see which lines of evidence we did not have data for. The ClinGen VCEPs are highly regarded as the gold-standard for gene-specific variant curation and are developed after extensive evaluation of the evidence by clinical and scientific experts for the particular gene to classify genomic variants on a spectrum from pathogenic to benign using the 2015 ACMG/AMP Variant Interpretation Guidelines as a backbone (PMID: 25741868). Reclassification of these VUS variants from gnomAD or All of Us focused only on variants originally prescribed as VUS in ClinVar. To ensure reproducibility, transparency, and increased throughput, all the procedures for annotating variants and assigning evidence codes were codified using Python. All code has been made freely available and is linked in the Code Availability section and all reclassified variants with evidence codes used can be found in Tables S18-19 (preprint: doi:10.1101/2024.04.11.24305690). For the MAVE data, the clinical curation and clinical strength assignment as per the ClinGen recommendations in Brnich et al. (2020) (PMID: 31892348) for or against pathogenicity or benignity of each of these MAVE datasets utilized in this study were previously published in Fayer et al. (2021) (PMID: 34793697).In brief, for BRCA1 variants, if a variant was categorized as FUNC (functional), it was assigned BS3 evidence and no PS3 evidence, whereas if it was categorized as LOF (loss of function), the variant was assigned PS3 evidence and no BS3 evidence. Variants categorized as INT (intermediate) were left unannotated. For the BRCA1 combining criteria, greater than or equal to 1 criteria of strong benign evidence was enough to reclassify the VUS as Likely Benign. This variant GRCh37:17:41258485:T>G was assigned evidence codes ['BS3', 'BP4'] and an overall classification of Likely Benign

Labcorp Genetics (formerly Invitae), Labcorp
Classification: Uncertain significance for Hereditary breast ovarian cancer syndrome. Last evaluated: 2024-02-23. Review status: criteria provided, single submitter. Criteria: Invitae Variant Classification Sherloc (09022015). Collection method: clinical testing. Allele origin: germline.
Comment: This sequence change replaces aspartic acid, which is acidic and polar, with alanine, which is neutral and non-polar, at codon 67 of the BRCA1 protein (p.Asp67Ala). This variant is present in population databases (no rsID available, gnomAD 0.06%). This variant has not been reported in the literature in individuals affected with BRCA1-related conditions. ClinVar contains an entry for this variant (Variation ID: 867325). Advanced modeling performed at Invitae incorporating data from internal and/or published experimental studies (PMID: 30209399) indicates that this missense variant is not expected to disrupt BRCA1 function with a negative predictive value of 95%. Experimental studies have shown that this missense change does not substantially affect BRCA1 function (PMID: 20967475, 30209399). In summary, the available evidence is currently insufficient to determine the role of this variant in disease. Therefore, it has been classified as a Variant of Uncertain Significance.

Institute for Biomarker Research, Medical Diagnostic Laboratories, L.L.C.
Classification: Uncertain significance for Hereditary breast ovarian cancer syndrome. Last evaluated: 2023-06-02. Review status: criteria provided, single submitter. Criteria: ACMG Guidelines, 2015. Collection method: clinical testing. Allele origin: germline.

Brotman Baty Institute, University of Washington
No classification provided (evidence only). Condition: Breast-ovarian cancer, familial 1. Review status: no classification provided. Collection method: in vitro. Allele origin: not applicable. Functional consequence: functionally_normal. Not counted in ClinVar's aggregate classification.
ClinVar note: "not provided" was previously submitted as the classification for the variant. However, the classification appeared to be based only on an observation of functional data so it was converted to no classification on 2025-07-30.

Literature cited by the submitters: PubMed 39142283 (cited by Lupski Lab, Baylor-Hopkins CMG, Baylor College of Medicine); PubMed 34793697 (cited by Lupski Lab, Baylor-Hopkins CMG, Baylor College of Medicine); DOI 10.1101/2024.04.11.24305690 (cited by Lupski Lab, Baylor-Hopkins CMG, Baylor College of Medicine); PubMed 30209399 (cited by Labcorp Genetics (formerly Invitae), Labcorp); PubMed 20967475 (cited by Labcorp Genetics (formerly Invitae), Labcorp).

NM_007294.4(BRCA1):c.200A>C (p.Asp67Ala)

Gene: BRCA1 (BRCA1 DNA repair associated; minus strand). Cytogenetic location: 17q21.31.
Variant type: single nucleotide variant.
Coding change: c.200A>C on transcript NM_007294.4 (MANE Select); coding-DNA position 200, A replaced by C.
Protein change: p.Asp67Ala; replaces aspartic acid 67 with alanine.
Molecular consequence: missense variant.
Genome position (GRCh38, 1-based): chr17:43,106,468, T>G on the plus strand (A>C on the coding strand, the complement: BRCA1 is on the minus strand). VCF-style: chr17-43106468-T-G. GRCh37 (hg19) VCF-style: chr17-41258485-T-G.
Other names: c.200A>C, p.Asp67Ala (NM_001407581.1, NM_001407582.1, NM_001407583.1 and 168 more transcripts); c.59A>C, p.Asp20Ala (NM_001407692.1, NM_001407694.1, NM_001407695.1 and 99 more transcripts); short protein forms D20A, D67A.
Identifiers: ClinVar variation 867325 (VCV000867325.15), dbSNP rs1060502331, ClinGen allele CA10601768.